The following is an entry in ClinVar:

NM_001105206.3(LAMA4):c.2912C>T (p.Ser971Phe)

Genes: LAMA4 (laminin subunit alpha 4; minus strand), LOC126859766 (MED14-independent group 3 enhancer GRCh37_chr6:112462018-112463217; plus strand). Cytogenetic location: 6q21.
Variant type: single nucleotide variant.
Coding change: c.2912C>T on transcript NM_001105206.3 (MANE Select); coding-DNA position 2912, C replaced by T.
Protein change: p.Ser971Phe; replaces serine 971 with phenylalanine.
Molecular consequence: missense variant.
Genome position (GRCh38, 1-based): chr6:112,140,824, G>A on the plus strand (C>T on the coding strand, the complement: LAMA4 is on the minus strand). VCF-style: chr6-112140824-G-A. GRCh37 (hg19) VCF-style: chr6-112462026-G-A.
Other names: c.2891C>T (LRG_433t2); c.2891C>T, p.Ser964Phe (NM_001105207.3, NM_002290.5); short protein forms S964F, S971F.
Identifiers: ClinVar variation 191687 (VCV000191687.6), dbSNP rs781856644, ClinGen allele CA237265.

ClinVar aggregate classification (germline): Uncertain significance. Review status: criteria provided, multiple submitters, no conflicts (2 of 4 stars). 3 submissions from 3 submitters: Uncertain significance (3). Last evaluated 2024-01-11.

Conditions:
Cardiovascular phenotype. Identifiers: MedGen CN230736.
Dilated cardiomyopathy 1JJ (CMD1JJ). Identifiers: Orphanet 154, MedGen C3808935, MONDO:0014095, OMIM 615235.

Allele frequency attached by ClinVar (database versions not stated): gnomAD 0.00003; TOPMed 0.00008; ExAC 0.00010.
gnomAD v4.1: 9 of 1,613,916 alleles (0.00056%); highest among the groups gnomAD compares: East Asian, 0.02%; no homozygotes.

Submissions (3):

Labcorp Genetics (formerly Invitae), Labcorp
Classification: Uncertain significance for Dilated cardiomyopathy 1JJ. Last evaluated: 2024-01-11. Review status: criteria provided, single submitter. Criteria: Invitae Variant Classification Sherloc (09022015). Collection method: clinical testing. Allele origin: germline.
Comment: This sequence change replaces serine, which is neutral and polar, with phenylalanine, which is neutral and non-polar, at codon 964 of the LAMA4 protein (p.Ser964Phe). This variant is present in population databases (rs786205280, gnomAD 0.06%). This variant has not been reported in the literature in individuals affected with LAMA4-related conditions. ClinVar contains an entry for this variant (Variation ID: 191687). An algorithm developed to predict the effect of missense changes on protein structure and function (PolyPhen-2) suggests that this variant is likely to be tolerated. In summary, the available evidence is currently insufficient to determine the role of this variant in disease. Therefore, it has been classified as a Variant of Uncertain Significance.

Ambry Genetics
Classification: Uncertain significance for Cardiovascular phenotype. Last evaluated: 2023-05-27. Review status: criteria provided, single submitter. Criteria: Ambry Variant Classification Scheme 2023. Collection method: clinical testing. Allele origin: germline.
Comment: The p.S964F variant (also known as c.2891C>T), located in coding exon 21 of the LAMA4 gene, results from a C to T substitution at nucleotide position 2891. The serine at codon 964 is replaced by phenylalanine, an amino acid with highly dissimilar properties. This amino acid position is highly conserved in available vertebrate species. In addition, the in silico prediction for this alteration is inconclusive. The evidence for this gene-disease relationship is limited; therefore, the clinical significance of this alteration is unclear.

Biesecker Lab/Clinical Genomics Section, National Institutes of Health
Classification: Uncertain significance. Last evaluated: 2013-06-24. Review status: criteria provided, single submitter. Criteria: Ng et al. (Circ Cardiovasc Genet. 2013). Collection method: research. Allele origin: unknown. Observed: 1 variant allele. Study: ClinSeq.
Comment: The study set was not selected for affection status in relation to any cancer. Pathogenicity categories were based on literature curation. See Pubmed ID:23861362 for details.

Medical sequencing